The following is an entry in ClinVar:

ClinVar aggregate classification (germline): Uncertain significance. Review status: criteria provided, multiple submitters, no conflicts (2 of 4 stars). 2 submissions from 2 submitters: Uncertain significance (2). Last evaluated 2024-08-19.

Allele frequency attached by ClinVar (database versions not stated): gnomAD exomes below 0.00001; gnomAD 0.00001; TOPMed 0.00001.

Submissions (2):

Labcorp Genetics (formerly Invitae), Labcorp
Classification: Uncertain significance. Last evaluated: 2024-08-19. Review status: criteria provided, single submitter. Criteria: Invitae Variant Classification Sherloc (09022015). Collection method: clinical testing. Allele origin: germline.
Comment: This sequence change replaces alanine, which is neutral and non-polar, with threonine, which is neutral and polar, at codon 324 of the GFM2 protein (p.Ala324Thr). This variant is not present in population databases (gnomAD no frequency). This variant has not been reported in the literature in individuals affected with GFM2-related conditions. ClinVar contains an entry for this variant (Variation ID: 1985138). Invitae Evidence Modeling of protein sequence and biophysical properties (such as structural, functional, and spatial information, amino acid conservation, physicochemical variation, residue mobility, and thermodynamic stability) indicates that this missense variant is not expected to disrupt GFM2 protein function with a negative predictive value of 80%. In summary, the available evidence is currently insufficient to determine the role of this variant in disease. Therefore, it has been classified as a Variant of Uncertain Significance.

Blueprint Genetics
Classification: Uncertain significance. Last evaluated: 2023-11-30. Review status: criteria provided, single submitter. Criteria: ACMG Guidelines, 2015. Collection method: clinical testing. Allele origin: germline.

NM_032380.5(GFM2):c.970G>A (p.Ala324Thr)

Gene: GFM2 (GTP dependent ribosome recycling factor mitochondrial 2; minus strand). Cytogenetic location: 5q13.3.
Variant type: single nucleotide variant.
Coding change: c.970G>A on transcript NM_032380.5 (MANE Select); coding-DNA position 970, G replaced by A.
Protein change: p.Ala324Thr; replaces alanine 324 with threonine.
Molecular consequence: missense variant. On other transcripts: non-coding transcript variant (1).
Genome position (GRCh38, 1-based): chr5:74,740,098, C>T on the plus strand (G>A on the coding strand, the complement: GFM2 is on the minus strand). VCF-style: chr5-74740098-C-T. GRCh37 (hg19) VCF-style: chr5-74035923-C-T.
Other names: c.1066G>A, p.Ala356Thr (NM_001281302.2); c.970G>A, p.Ala324Thr (NM_170681.3, NM_170691.3); short protein forms A324T, A356T.
Identifiers: ClinVar variation 1985138 (VCV001985138.5), dbSNP rs1201483821, ClinGen allele CA360081009.
Genomic context (GRCh38, chr5:74,740,098, plus strand): 5'-CATCTAACAAGGGCTGTATCCCTTTGTTTTTCAGGGCACTTCCACAAAGCACAGGCACTG[C>T]TGTCTGAGCTAGTGTCACTCTATGTATTGCAGTCTGTAGCTACAGAGCAGAGATACAAAT-3'
Protein context (NP_115756.2, residues 314-334): AIHRVTLAQT[Ala324Thr]VPVLCGSALK